The following is an entry in ClinVar:

ClinVar aggregate classification (germline): Benign (0 of 4 stars; one submission).

Conditions:
BRSK2-related disorder. Also called: BRSK2-related condition; BRSK2-Related Disorders.

Allele frequency attached by ClinVar (database versions not stated): gnomAD exomes 0.00075; ExAC 0.00252; 1000 Genomes Project 0.00719; gnomAD 0.00763; 1000 Genomes Project 30x 0.00812; TOPMed 0.00880; ESP Exome Variant Server 0.00893.
gnomAD v4.1: 2,282 of 1,612,996 alleles (0.14%); highest among the groups gnomAD compares: African/African-American, 2.7%; 29 homozygotes.

Submission:

PreventionGenetics, part of Exact Sciences
Classification: Benign for BRSK2-related condition. Last evaluated: 2019-08-09. Review status: no assertion criteria provided. Collection method: clinical testing. Allele origin: germline.
Comment: This variant is classified as benign based on ACMG/AMP sequence variant interpretation guidelines (Richards et al. 2015 PMID: 25741868, with internal and published modifications).

NM_001256627.2(BRSK2):c.489G>A (p.Ala163=)

Gene: BRSK2 (BR serine/threonine kinase 2; plus strand). Cytogenetic location: 11p15.5.
Variant type: single nucleotide variant.
Coding change: c.489G>A on transcript NM_001256627.2 (MANE Select); coding-DNA position 489, G replaced by A.
Protein change: p.Ala163=; no amino-acid change (alanine 163 retained).
Molecular consequence: synonymous variant. On other transcripts: non-coding transcript variant (1).
Genome position (GRCh38, 1-based): chr11:1,442,565, G>A. VCF-style: chr11-1442565-G-A. GRCh37 (hg19) VCF-style: chr11-1463795-G-A.
Other names: c.489G>A, p.Ala163= (NM_001256629.2, NM_003957.4); c.627G>A, p.Ala209= (NM_001256630.1); c.309G>A, p.Ala103= (NM_001282218.2).
Identifiers: ClinVar variation 3038825 (VCV003038825.2), dbSNP rs61742447, ClinGen allele CA5810509.